The following is an entry in ClinVar:

NM_001009944.3(PKD1):c.6864C>T (p.Asp2288=)

Gene: PKD1 (polycystin 1, transient receptor potential channel interacting; minus strand). Cytogenetic location: 16p13.3.
Variant type: single nucleotide variant.
Coding change: c.6864C>T on transcript NM_001009944.3 (MANE Select); coding-DNA position 6864, C replaced by T.
Protein change: p.Asp2288=; no amino-acid change (aspartic acid 2288 retained).
Molecular consequence: synonymous variant.
Genome position (GRCh38, 1-based): chr16:2,108,303, G>A on the plus strand (C>T on the coding strand, the complement: PKD1 is on the minus strand). VCF-style: chr16-2108303-G-A. GRCh37 (hg19) VCF-style: chr16-2158304-G-A.
Other names: c.6864C>T, p.Asp2288= (NM_000296.4).
Identifiers: ClinVar variation 4887267 (VCV004887267.2).

ClinVar aggregate classification (germline): Likely benign. Review status: criteria provided, multiple submitters, no conflicts (2 of 4 stars). 2 submissions from 2 submitters: Likely benign (2). Last evaluated 2026-09-01.

gnomAD v4.1: 306 of 1,602,192 alleles (0.019%); highest among the groups gnomAD compares: African/African-American, 0.077%; no homozygotes.

Submissions (2):

CeGaT Center for Human Genetics Tuebingen
Classification: Likely benign. Last evaluated: 2026-09-01. Review status: criteria provided, single submitter. Criteria: CeGaT Center For Human Genetics Tuebingen Variant Classification Criteria Version 2. Collection method: clinical testing. Allele origin: germline. Affected: yes. Observed: 1 variant allele.
Comment: PKD1: BP4, BP7

Women's Health and Genetics/Laboratory Corporation of America, LabCorp
Classification: Likely benign. Last evaluated: 2026-06-12. Review status: criteria provided, single submitter. Criteria: LabCorp Variant Classification Summary - May 2015. Collection method: clinical testing. Allele origin: germline.